The following is an entry in ClinVar:

NM_000271.5(NPC1):c.2734A>C (p.Met912Leu)

Gene: NPC1 (NPC intracellular cholesterol transporter 1; minus strand). Cytogenetic location: 18q11.2.
Variant type: single nucleotide variant.
Coding change: c.2734A>C on transcript NM_000271.5 (MANE Select); coding-DNA position 2734, A replaced by C.
Protein change: p.Met912Leu; replaces methionine 912 with leucine.
Molecular consequence: missense variant.
Genome position (GRCh38, 1-based): chr18:23,539,872, T>G on the plus strand (A>C on the coding strand, the complement: NPC1 is on the minus strand). VCF-style: chr18-23539872-T-G. GRCh37 (hg19) VCF-style: chr18-21119836-T-G.
Other names: c.2734A>C (NM_000271.4); short protein forms M912L.
Identifiers: ClinVar variation 2139354 (VCV002139354.4), dbSNP rs746398811, ClinGen allele CA8912987.

ClinVar aggregate classification (germline): Uncertain significance. Review status: criteria provided, multiple submitters, no conflicts (2 of 4 stars). 3 submissions from 3 submitters: Uncertain significance (3). Last evaluated 2025-03-06.

Conditions:
Niemann-Pick disease, type C1. Also called: NIEMANN-PICK DISEASE, VARIANT TYPE C1; NEUROVISCERAL STORAGE DISEASE WITH VERTICAL SUPRANUCLEAR OPHTHALMOPLEGIA; NIEMANN-PICK DISEASE WITH CHOLESTEROL ESTERIFICATION BLOCK; NIEMANN-PICK DISEASE WITHOUT SPHINGOMYELINASE DEFICIENCY; NIEMANN-PICK DISEASE, CHRONIC NEURONOPATHIC FORM. Identifiers: Orphanet 646, MedGen C3179455, MONDO:0009757, OMIM 257220.
Inborn genetic diseases. Identifiers: MedGen C0950123, MeSH D030342.

Allele frequency attached by ClinVar (database versions not stated): gnomAD 0.00005.
gnomAD v4.1: 69 of 1,614,102 alleles (0.0043%); highest among the groups gnomAD compares: Non-Finnish European, 0.0057%; no homozygotes.

Submissions (3):

GeneDx
Classification: Uncertain significance. Last evaluated: 2025-03-06. Review status: criteria provided, single submitter. Criteria: GeneDx Variant Classification Process June 2021. Collection method: clinical testing. Allele origin: germline.
Comment: Not observed at significant frequency in large population cohorts (gnomAD); In silico analysis indicates that this missense variant does not alter protein structure/function; Has not been previously published as pathogenic or benign to our knowledge

Labcorp Genetics (formerly Invitae), Labcorp
Classification: Uncertain significance for Niemann-Pick disease, type C1. Last evaluated: 2022-10-17. Review status: criteria provided, single submitter. Criteria: Invitae Variant Classification Sherloc (09022015). Collection method: clinical testing. Allele origin: germline.
Comment: This sequence change replaces methionine, which is neutral and non-polar, with leucine, which is neutral and non-polar, at codon 912 of the NPC1 protein (p.Met912Leu). This variant is present in population databases (rs746398811, gnomAD 0.006%). This variant has not been reported in the literature in individuals affected with NPC1-related conditions. Advanced modeling of protein sequence and biophysical properties (such as structural, functional, and spatial information, amino acid conservation, physicochemical variation, residue mobility, and thermodynamic stability) performed at Invitae indicates that this missense variant is not expected to disrupt NPC1 protein function. In summary, the available evidence is currently insufficient to determine the role of this variant in disease. Therefore, it has been classified as a Variant of Uncertain Significance.

Ambry Genetics
Classification: Uncertain significance for Inborn genetic diseases. Last evaluated: 2022-05-11. Review status: criteria provided, single submitter. Criteria: Ambry Variant Classification Scheme 2023. Collection method: clinical testing. Allele origin: germline.